The following is an entry in ClinVar:

NM_007272.3(CTRC):c.247C>A (p.Arg83Ser)

Gene: CTRC (chymotrypsin C; plus strand). Cytogenetic location: 1p36.21.
Variant type: single nucleotide variant.
Coding change: c.247C>A on transcript NM_007272.3 (MANE Select); coding-DNA position 247, C replaced by A.
Protein change: p.Arg83Ser; replaces arginine 83 with serine.
Molecular consequence: missense variant.
Genome position (GRCh38, 1-based): chr1:15,442,463, C>A. VCF-style: chr1-15442463-C-A. GRCh37 (hg19) VCF-style: chr1-15768959-C-A.
Other names: short protein forms R83S.
Identifiers: ClinVar variation 3652731 (VCV003652731.4).

ClinVar aggregate classification (germline): Uncertain significance. Review status: criteria provided, multiple submitters, no conflicts (2 of 4 stars). 2 submissions from 2 submitters: Uncertain significance (2). Last evaluated 2026-04-26.

Conditions:
Hereditary pancreatitis (PCTT). Also called: Hereditary chronic pancreatitis; PRSS1-Related Hereditary Pancreatitis. Identifiers: Orphanet 676, MedGen C0238339, MONDO:0008185, OMIM 167800.

Submissions (2):

Dasa
Classification: Uncertain significance. Last evaluated: 2026-04-26. Review status: criteria provided, single submitter. Criteria: DASA Assertion Criteria. Collection method: clinical testing. Allele origin: germline.
Comment: NM_007272.3(CTRC):c.247C>A (p.Arg83Ser) is a missense variant that results in the substitution of arginine with serine. This variant is rare in population databases. Computational prediction algorithms are consistent with a deleterious effect. The currently available literature and clinical evidence are not sufficient to establish a definitive association between this variant and the reported condition. Therefore, this variant is classified as a variant of uncertain significance.

Labcorp Genetics (formerly Invitae), Labcorp
Classification: Uncertain significance for Hereditary pancreatitis. Last evaluated: 2025-03-03. Review status: criteria provided, single submitter. Criteria: Invitae Variant Classification Sherloc (09022015). Collection method: clinical testing. Allele origin: germline.
Comment: This sequence change replaces arginine, which is basic and polar, with serine, which is neutral and polar, at codon 83 of the CTRC protein (p.Arg83Ser). This variant is not present in population databases (gnomAD no frequency). This variant has not been reported in the literature in individuals affected with CTRC-related conditions. Invitae Evidence Modeling of protein sequence and biophysical properties (such as structural, functional, and spatial information, amino acid conservation, physicochemical variation, residue mobility, and thermodynamic stability) has been performed for this missense variant. However, the output from this modeling did not meet the statistical confidence thresholds required to predict the impact of this variant on CTRC protein function. In summary, the available evidence is currently insufficient to determine the role of this variant in disease. Therefore, it has been classified as a Variant of Uncertain Significance.